The following is an entry in ClinVar:

NM_022168.4(IFIH1):c.1240G>C (p.Ala414Pro)

Gene: IFIH1 (interferon induced with helicase C domain 1; minus strand). Cytogenetic location: 2q24.2.
Variant type: single nucleotide variant.
Coding change: c.1240G>C on transcript NM_022168.4 (MANE Select); coding-DNA position 1240, G replaced by C.
Protein change: p.Ala414Pro; replaces alanine 414 with proline.
Molecular consequence: missense variant.
Genome position (GRCh38, 1-based): chr2:162,282,432, C>G on the plus strand (G>C on the coding strand, the complement: IFIH1 is on the minus strand). VCF-style: chr2-162282432-C-G. GRCh37 (hg19) VCF-style: chr2-163138942-C-G.
Other names: short protein forms A414P.
Identifiers: ClinVar variation 1470749 (VCV001470749.6), dbSNP rs201917037, ClinGen allele CA1934584.

ClinVar aggregate classification (germline): Uncertain significance (1 of 4 stars; one submission).

Conditions:
Singleton-Merten syndrome 1 (SGMRT1). Also called: Widened medullary cavities of bone, aortic calcification, abnormal dentition, and muscular weakness; Syndrome of widened medullary cavities of the metacarpals and phalanges, aortic calcification and abnormal dentition. Identifiers: Orphanet 85191, MedGen C4225427, MONDO:0024535, OMIM 182250.
Aicardi-Goutieres syndrome 7 (AGS7). Identifiers: Orphanet 51, MedGen C3888244, MONDO:0014367, OMIM 615846.

Allele frequency attached by ClinVar (database versions not stated): gnomAD 0.00001; TOPMed 0.00001; gnomAD exomes 0.00002 and 0.00003; ExAC 0.00006; 1000 Genomes Project 30x 0.00016; 1000 Genomes Project 0.00020.
gnomAD v4.1: 34 of 1,612,056 alleles (0.0021%); highest among the groups gnomAD compares: East Asian, 0.074%; no homozygotes.

Submission:

Labcorp Genetics (formerly Invitae), Labcorp
Classification: Uncertain significance for Aicardi-Goutieres syndrome 7; Singleton-Merten syndrome 1. Last evaluated: 2022-08-31. Review status: criteria provided, single submitter. Criteria: Invitae Variant Classification Sherloc (09022015). Collection method: clinical testing. Allele origin: germline.
Comment: This sequence change replaces alanine, which is neutral and non-polar, with proline, which is neutral and non-polar, at codon 414 of the IFIH1 protein (p.Ala414Pro). This variant is present in population databases (rs201917037, gnomAD 0.06%). In summary, the available evidence is currently insufficient to determine the role of this variant in disease. Therefore, it has been classified as a Variant of Uncertain Significance. Algorithms developed to predict the effect of missense changes on protein structure and function are either unavailable or do not agree on the potential impact of this missense change (SIFT: "Tolerated"; PolyPhen-2: "Probably Damaging"; Align-GVGD: "Class C0"). ClinVar contains an entry for this variant (Variation ID: 1470749). This variant has not been reported in the literature in individuals affected with IFIH1-related conditions.